The following is an entry in ClinVar:

NM_000059.4(BRCA2):c.7641del (p.Lys2547fs)

Gene: BRCA2 (BRCA2 DNA repair associated; plus strand). Cytogenetic location: 13q13.1.
Variant type: Deletion.
Coding change: c.7641del on transcript NM_000059.4 (MANE Select); coding-DNA position 7641, one base deleted (A; older notation c.7641delA).
Protein change: p.Lys2547fs; shifts the reading frame from lysine 2547.
Molecular consequence: frameshift variant.
Genome position (GRCh38, 1-based): chr13:32,357,765, A deleted; the last of 3 consecutive A bases (chr13:32,357,763-32,357,765); deleting any one gives the same sequence. VCF-style (leftmost placement, unchanged base first): chr13-32357762-TA-T. GRCh37 (hg19) VCF-style: chr13-32931899-TA-T.
Other names: c.7641delA (NM_000059.3); short protein forms K2547fs.
Identifiers: ClinVar variation 1404487 (VCV001404487.8), dbSNP rs2137566280, ClinGen allele CA2573149407.

ClinVar aggregate classification (germline): Pathogenic. Review status: criteria provided, multiple submitters, no conflicts (2 of 4 stars). 2 submissions from 2 submitters: Pathogenic (2). Last evaluated 2024-03-17.

Conditions:
Hereditary breast ovarian cancer syndrome. Also called: Hereditary breast and ovarian cancer syndrome; BRCA1- and BRCA2-Associated Hereditary Breast and Ovarian Cancer; Breast and ovarian cancer; Hereditary breast and/or ovarian cancer syndrome; Hereditary breast and ovarian cancer syndrome (HBOC); Hereditary breast and ovarian cancer. Identifiers: Orphanet 145, MedGen C0677776, MeSH D061325, MONDO:0003582. Disease mechanism: loss of function.
Hereditary cancer-predisposing syndrome. Also called: Hereditary neoplastic syndrome; Hereditary Cancer Syndrome; Neoplastic Syndromes, Hereditary; Tumor predisposition. Identifiers: Orphanet 140162, MedGen C0027672, MeSH D009386, MONDO:0015356.

Submissions (2):

Labcorp Genetics (formerly Invitae), Labcorp
Classification: Pathogenic for Hereditary breast ovarian cancer syndrome. Last evaluated: 2024-03-17. Review status: criteria provided, single submitter. Criteria: Invitae Variant Classification Sherloc (09022015). Collection method: clinical testing. Allele origin: germline.
Comment: This sequence change creates a premature translational stop signal (p.Lys2547Asnfs*4) in the BRCA2 gene. It is expected to result in an absent or disrupted protein product. Loss-of-function variants in BRCA2 are known to be pathogenic (PMID: 20104584). This variant is not present in population databases (gnomAD no frequency). This variant has not been reported in the literature in individuals affected with BRCA2-related conditions. ClinVar contains an entry for this variant (Variation ID: 1404487). For these reasons, this variant has been classified as Pathogenic.

Ambry Genetics
Classification: Pathogenic for Hereditary cancer-predisposing syndrome. Last evaluated: 2023-07-18. Review status: criteria provided, single submitter. Criteria: Ambry Variant Classification Scheme 2023. Collection method: clinical testing. Allele origin: germline.
Comment: The c.7641delA pathogenic mutation, located in coding exon 15 of the BRCA2 gene, results from a deletion of one nucleotide at nucleotide position 7641, causing a translational frameshift with a predicted alternate stop codon (p.K2547Nfs*4). This variant is considered to be rare based on population cohorts in the Genome Aggregation Database (gnomAD). This alteration is expected to result in loss of function by premature protein truncation or nonsense-mediated mRNA decay. As such, this alteration is interpreted as a disease-causing mutation.

Literature cited by the submitters: PubMed 20104584 (cited by Labcorp Genetics (formerly Invitae), Labcorp).